The following is an entry in ClinVar:

NM_005901.6(SMAD2):c.773A>G (p.Asn258Ser)

Gene: SMAD2 (SMAD family member 2; minus strand). Cytogenetic location: 18q21.1.
Variant type: single nucleotide variant.
Coding change: c.773A>G on transcript NM_005901.6 (MANE Select); coding-DNA position 773, A replaced by G.
Protein change: p.Asn258Ser; replaces asparagine 258 with serine.
Molecular consequence: missense variant.
Genome position (GRCh38, 1-based): chr18:47,851,285, T>C on the plus strand (A>G on the coding strand, the complement: SMAD2 is on the minus strand). VCF-style: chr18-47851285-T-C. GRCh37 (hg19) VCF-style: chr18-45377656-T-C.
Other names: c.773A>G, p.Asn258Ser (NM_001003652.4); c.683A>G, p.Asn228Ser (NM_001135937.3); short protein forms N228S, N258S.
Identifiers: ClinVar variation 3798790 (VCV003798790.1).
Genomic context (GRCh38, chr18:47,851,285, plus strand): 5'-GTAGGTGATACAGTATAAAAATGATGAGGGGAACATATGTGCAACTTACCCAAGCTATGA[T>C]TAACAGGGGAAAGAGTAGTAGGAGATAGTTCTGCTGGAGAGCCTAAAACAAAAGGATTTA-3'
Protein context (NP_005892.1, residues 248-268): ELSPTTLSPV[Asn258Ser]HSLDLQPVTY

ClinVar aggregate classification (germline): Uncertain significance (1 of 4 stars; one submission).

Conditions:
Inborn genetic diseases. Identifiers: MedGen C0950123, MeSH D030342.

Submission:

Ambry Genetics
Classification: Uncertain significance for Inborn genetic diseases. Last evaluated: 2024-12-14. Review status: criteria provided, single submitter. Criteria: Ambry Variant Classification Scheme 2023. Collection method: clinical testing. Allele origin: germline.
Comment: The p.N258S variant (also known as c.773A>G), located in coding exon 6 of the SMAD2 gene, results from an A to G substitution at nucleotide position 773. The asparagine at codon 258 is replaced by serine, an amino acid with highly similar properties. This amino acid position is conserved. In addition, this alteration is predicted to be tolerated by in silico analysis. Based on the available evidence, the clinical significance of this variant remains unclear.